The following is an entry in ClinVar:

NM_018026.4(PACS1):c.2649C>A (p.Asn883Lys)

Gene: PACS1 (phosphofurin acidic cluster sorting protein 1; plus strand). Cytogenetic location: 11q13.2.
Variant type: single nucleotide variant.
Coding change: c.2649C>A on transcript NM_018026.4 (MANE Select); coding-DNA position 2649, C replaced by A.
Protein change: p.Asn883Lys; replaces asparagine 883 with lysine.
Molecular consequence: missense variant.
Genome position (GRCh38, 1-based): chr11:66,241,646, C>A. VCF-style: chr11-66241646-C-A. GRCh37 (hg19) VCF-style: chr11-66009117-C-A.
Other names: short protein forms N883K.
Identifiers: ClinVar variation 2089952 (VCV002089952.4), dbSNP rs2495608272, ClinGen allele CA381383461.

ClinVar aggregate classification (germline): Uncertain significance (1 of 4 stars; one submission).

Conditions:
Schuurs-Hoeijmakers syndrome. Also called: PACS1-Related Neurodevelopmental Disorder. Identifiers: Orphanet 329224, MedGen C3554343, MONDO:0014006, OMIM 615009.

Submission:

Labcorp Genetics (formerly Invitae), Labcorp
Classification: Uncertain significance for Schuurs-Hoeijmakers syndrome. Last evaluated: 2022-07-26. Review status: criteria provided, single submitter. Criteria: Invitae Variant Classification Sherloc (09022015). Collection method: clinical testing. Allele origin: germline.
Comment: In summary, the available evidence is currently insufficient to determine the role of this variant in disease. Therefore, it has been classified as a Variant of Uncertain Significance. Algorithms developed to predict the effect of missense changes on protein structure and function are either unavailable or do not agree on the potential impact of this missense change (SIFT: "Tolerated"; PolyPhen-2: "Probably Damaging"; Align-GVGD: "Class C0"). This variant has not been reported in the literature in individuals affected with PACS1-related conditions. This variant is not present in population databases (gnomAD no frequency). This sequence change replaces asparagine, which is neutral and polar, with lysine, which is basic and polar, at codon 883 of the PACS1 protein (p.Asn883Lys).